The following is an entry in ClinVar:

NM_001365276.2(TNXB):c.3965A>G (p.Asp1322Gly)

Gene: TNXB (tenascin XB; minus strand). Cytogenetic location: 6p21.33.
Variant type: single nucleotide variant.
Coding change: c.3965A>G on transcript NM_001365276.2 (MANE Select); coding-DNA position 3965, A replaced by G.
Protein change: p.Asp1322Gly; replaces aspartic acid 1322 with glycine.
Molecular consequence: missense variant.
Genome position (GRCh38, 1-based): chr6:32,081,445, T>C on the plus strand (A>G on the coding strand, the complement: TNXB is on the minus strand). VCF-style: chr6-32081445-T-C. GRCh37 (hg19) VCF-style: chr6-32049222-T-C.
Other names: c.3965A>G, p.Asp1322Gly (NM_019105.8); short protein forms D1322G.
Identifiers: ClinVar variation 1803661 (VCV001803661.3), dbSNP rs1258771989, ClinGen allele CA363432238.
Genomic context (GRCh38, chr6:32,081,445, plus strand): 5'-GACTCGGGCCCCACACGCTGCCTGCCACGAAGCCCGTAGAGGTTCATCTTATACTTCCGG[T>C]CGGGATCCAGGCCGGGGACAGTAACCTCATTCTCATCCCCCGCAACAGGCACTGCCTGGG-3'
Protein context (NP_001352205.1, residues 1312-1332): NEVTVPGLDP[Asp1322Gly]RKYKMNLYGL

ClinVar aggregate classification (germline): Uncertain significance. Review status: criteria provided, multiple submitters, no conflicts (2 of 4 stars). 2 submissions from 2 submitters: Uncertain significance (2). Last evaluated 2023-08-11.

Conditions:
Cardiovascular phenotype. Identifiers: MedGen CN230736.

Allele frequency attached by ClinVar (database versions not stated): gnomAD exomes 0.00001.
gnomAD v4.1: 9 of 1,579,642 alleles (0.00057%); highest among the groups gnomAD compares: Non-Finnish European, 0.00077%; no homozygotes.

Submissions (2):

Ambry Genetics
Classification: Uncertain significance for Cardiovascular phenotype. Last evaluated: 2023-08-11. Review status: criteria provided, single submitter. Criteria: Ambry Variant Classification Scheme 2023. Collection method: clinical testing. Allele origin: germline.
Comment: The p.D1322G variant (also known as c.3965A>G), located in coding exon 9 of the TNXB gene, results from an A to G substitution at nucleotide position 3965. The aspartic acid at codon 1322 is replaced by glycine, an amino acid with similar properties. This amino acid position is conserved. In addition, this alteration is predicted to be tolerated by in silico analysis. Since supporting evidence is limited at this time, the clinical significance of this alteration remains unclear.

GeneDx
Classification: Uncertain significance. Last evaluated: 2022-06-09. Review status: criteria provided, single submitter. Criteria: GeneDx Variant Classification Process June 2021. Collection method: clinical testing. Allele origin: germline. Affected: yes.
Comment: Has not been previously published as pathogenic or benign to our knowledge; Not observed at significant frequency in large population cohorts (gnomAD); In silico analysis supports that this missense variant has a deleterious effect on protein structure/function